The following is an entry in ClinVar:

NM_030962.4(SBF2):c.3652G>A (p.Ala1218Thr)

Gene: SBF2 (SET binding factor 2; minus strand). Cytogenetic location: 11p15.4.
Variant type: single nucleotide variant.
Coding change: c.3652G>A on transcript NM_030962.4 (MANE Select); coding-DNA position 3652, G replaced by A.
Protein change: p.Ala1218Thr; replaces alanine 1218 with threonine.
Molecular consequence: missense variant.
Genome position (GRCh38, 1-based): chr11:9,832,224, C>T on the plus strand (G>A on the coding strand, the complement: SBF2 is on the minus strand). VCF-style: chr11-9832224-C-T. GRCh37 (hg19) VCF-style: chr11-9853771-C-T.
Other names: c.3652G>A, p.Ala1218Thr (NM_001386339.1); c.3523G>A, p.Ala1175Thr (NM_001386342.1); short protein forms A1175T, A1218T.
Identifiers: ClinVar variation 1037020 (VCV001037020.7), dbSNP rs763594624, ClinGen allele CA5881214.

ClinVar aggregate classification (germline): Uncertain significance (1 of 4 stars; one submission).

Conditions:
Charcot-Marie-Tooth disease type 4. Also called: Charcot-Marie-Tooth disease, type IV; Charcot-Marie-Tooth, Type 4. Identifiers: Orphanet 64749, MedGen C4082197, MONDO:0018995.

Allele frequency attached by ClinVar (database versions not stated): ExAC 0.00001; gnomAD exomes 0.00001 and 0.00003; TOPMed 0.00001.
gnomAD v4.1: 37 of 1,611,072 alleles (0.0023%); highest among the groups gnomAD compares: Non-Finnish European, 0.0029%; no homozygotes.

Submission:

Labcorp Genetics (formerly Invitae), Labcorp
Classification: Uncertain significance for Charcot-Marie-Tooth disease type 4. Last evaluated: 2021-06-16. Review status: criteria provided, single submitter. Criteria: Invitae Variant Classification Sherloc (09022015). Collection method: clinical testing. Allele origin: germline.
Comment: In summary, the available evidence is currently insufficient to determine the role of this variant in disease. Therefore, it has been classified as a Variant of Uncertain Significance. Nucleotide substitutions within the consensus splice site are a relatively common cause of aberrant splicing (PMID: 17576681, 9536098). Algorithms developed to predict the effect of sequence changes on RNA splicing suggest that this variant may disrupt the consensus splice site, but this prediction has not been confirmed by published transcriptional studies. Algorithms developed to predict the effect of missense changes on protein structure and function (SIFT, PolyPhen-2, Align-GVGD) all suggest that this variant is likely to be tolerated, but these predictions have not been confirmed by published functional studies and their clinical significance is uncertain. This variant has not been reported in the literature in individuals with SBF2-related conditions. This variant is present in population databases (rs763594624, ExAC 0.002%). This sequence change replaces alanine with threonine at codon 1218 of the SBF2 protein (p.Ala1218Thr). The alanine residue is weakly conserved and there is a small physicochemical difference between alanine and threonine. This variant also falls at the last nucleotide of exon 27 of the SBF2 coding sequence, which is part of the consensus splice site for this exon.

Literature cited by the submitters: PubMed 17576681; PubMed 9536098.